The following is an entry in ClinVar:

ClinVar aggregate classification (germline): Likely pathogenic (1 of 4 stars; one submission).

Conditions:
Combined immunodeficiency, X-linked (CIDX). Also called: IMMUNODEFICIENCY 6. Identifiers: MedGen C6022467, MONDO:0010730, OMIM 312863.
X-linked severe combined immunodeficiency (SCIDX1). Also called: IMMUNODEFICIENCY 4; T-B+ severe combined immunodeficiency due to gamma chain deficiency; SCID, X-LINKED; SEVERE COMBINED IMMUNODEFICIENCY, X-LINKED, T CELL-NEGATIVE, B CELL-POSITIVE, NK CELL-NEGATIVE; X-Linked Combined Immunodeficiency Diseases. Identifiers: Orphanet 276, MedGen C6022468, MONDO:0010315, OMIM 300400. Disease mechanism: loss of function.

Submission:

Juno Genomics, Hangzhou Juno Genomics, Inc
Classification: Likely pathogenic for Combined immunodeficiency, X-linked; X-linked severe combined immunodeficiency. Review status: criteria provided, single submitter. Criteria: ACMG Guidelines, 2015. Collection method: clinical testing. Allele origin: germline.
Comment: Absent from controls (or at extremely low frequency if recessive) in Genome Aggregation Database.;Null variant in a gene where loss of function (LOF) is a known mechanism of disease.;Patient's phenotype or family history is highly specific for a disease with a single genetic etiology.

NM_000206.3(IL2RG):c.925-2A>G

Gene: IL2RG (interleukin 2 receptor subunit gamma; minus strand). Cytogenetic location: Xq13.1.
Variant type: single nucleotide variant.
Coding change: c.925-2A>G on transcript NM_000206.3 (MANE Select); the canonical splice acceptor site of the intron before coding-DNA position 925, A replaced by G.
Molecular consequence: splice acceptor variant.
Genome position (GRCh38, 1-based): chrX:71,107,923, T>C on the plus strand (A>G on the coding strand, the complement: IL2RG is on the minus strand). VCF-style: chrX-71107923-T-C. GRCh37 (hg19) VCF-style: chrX-70327773-T-C.
Other names: c.*45-2A>G (NM_001438870.1).
Identifiers: ClinVar variation 5007589 (VCV005007589.2).